The following is an entry in ClinVar:

NM_001374736.1(DST):c.13813A>G (p.Lys4605Glu)

Gene: DST (dystonin; minus strand). Cytogenetic location: 6p12.1.
Variant type: single nucleotide variant.
Coding change: c.13813A>G on transcript NM_001374736.1 (MANE Select); coding-DNA position 13813, A replaced by G.
Protein change: p.Lys4605Glu; replaces lysine 4605 with glutamic acid.
Molecular consequence: missense variant.
Genome position (GRCh38, 1-based): chr6:56,569,921, T>C on the plus strand (A>G on the coding strand, the complement: DST is on the minus strand). VCF-style: chr6-56569921-T-C. GRCh37 (hg19) VCF-style: chr6-56434719-T-C.
Other names: c.7456A>G, p.Lys2486Glu (NM_001144769.5); c.7042A>G, p.Lys2348Glu (NM_001144770.2); c.13813A>G, p.Lys4605Glu (NM_001374722.1); c.13180A>G, p.Lys4394Glu (NM_001374729.1); c.6922A>G, p.Lys2308Glu (NM_001374730.1, NM_183380.4); c.13840A>G, p.Lys4614Glu (NM_001374734.1); c.5944A>G, p.Lys1982Glu (NM_015548.5); short protein forms K2486E, K4614E, K1982E, K2308E, K2348E, K4394E, K4605E.
Identifiers: ClinVar variation 966398 (VCV000966398.10), dbSNP rs113849115, ClinGen allele CA3868155.

ClinVar aggregate classification (germline): Uncertain significance. Review status: criteria provided, multiple submitters, no conflicts (2 of 4 stars). 3 submissions from 3 submitters: Uncertain significance (3). Last evaluated 2026-04-09.

Conditions:
Inborn genetic diseases. Identifiers: MedGen C0950123, MeSH D030342.
Epidermolysis bullosa simplex 3, localized or generalized intermediate, with BP230 deficiency (EBS3). Also called: Epidermolysis bullosa simplex, autosomal recessive 2; Epidermolysis bullosa simplex due to BP230 deficiency. Identifiers: Orphanet 412181, MedGen C3809470, MONDO:0014180, OMIM 615425.
Hereditary sensory and autonomic neuropathy type 6. Also called: HSAN VI; Neuropathy, hereditary sensory and autonomic, type VI. Identifiers: Orphanet 314381, MedGen C3539003, MONDO:0013839, OMIM 614653.
DST-related disorder. Also called: DST-related condition; DST-related disorders.

Allele frequency attached by ClinVar (database versions not stated): gnomAD exomes 0.00007 and 0.00009; 1000 Genomes Project 30x 0.00016; ESP Exome Variant Server 0.00017; 1000 Genomes Project 0.00020; ExAC 0.00011; TOPMed 0.00035; gnomAD 0.00038.
gnomAD v4.1: 199 of 1,612,018 alleles (0.012%); highest among the groups gnomAD compares: African/African-American, 0.18%; 3 homozygotes.

Submissions (3):

PreventionGenetics, part of Exact Sciences
Classification: Uncertain significance for DST-related condition. Last evaluated: 2026-04-09. Review status: criteria provided, single submitter. Criteria: ACMG Guidelines, 2015. Collection method: clinical testing. Allele origin: germline.
Comment: The DST c.7456A>G variant is predicted to result in the amino acid substitution p.Lys2486Glu. To our knowledge, this variant has not been reported in the literature. This variant is reported in 0.12% of alleles in individuals of African descent in gnomAD, which is likely too common for an undocumented disease-causing variant. Although we suspect that this variant may be benign, at this time, the clinical significance of this variant is uncertain due to the absence of conclusive functional and genetic evidence.

Labcorp Genetics (formerly Invitae), Labcorp
Classification: Uncertain significance for Epidermolysis bullosa simplex 3, localized or generalized intermediate, with BP230 deficiency; Hereditary sensory and autonomic neuropathy type 6. Last evaluated: 2025-12-16. Review status: criteria provided, single submitter. Criteria: Invitae Variant Classification Sherloc (09022015). Collection method: clinical testing. Allele origin: germline.
Comment: The DST gene has multiple clinically relevant transcripts. This variant occurs in alternate transcript NM_015548.4, and corresponds to NM_001723.5:c.*45596A>G in the primary transcript. This sequence change replaces lysine, which is basic and polar, with glutamic acid, which is acidic and polar, at codon 1982 of the DST protein (p.Lys1982Glu). This variant is present in population databases (rs113849115, gnomAD 0.1%). This variant has not been reported in the literature in individuals affected with DST-related conditions. ClinVar contains an entry for this variant (Variation ID: 966398). An algorithm developed to predict the effect of missense changes on protein structure and function outputs the following: PolyPhen-2: "Not Available". The glutamic acid amino acid residue is found in multiple mammalian species, which suggests that this missense change does not adversely affect protein function. In summary, the available evidence is currently insufficient to determine the role of this variant in disease. Therefore, it has been classified as a Variant of Uncertain Significance.

Ambry Genetics
Classification: Uncertain significance for Inborn genetic diseases. Last evaluated: 2021-03-11. Review status: criteria provided, single submitter. Criteria: Ambry Variant Classification Scheme 2023. Collection method: clinical testing. Allele origin: germline.
Comment: The p.K2486E variant (also known as c.7456A>G), located in coding exon 48 of the DST gene, results from an A to G substitution at nucleotide position 7456. The lysine at codon 2486 is replaced by glutamic acid, an amino acid with similar properties. This amino acid position is poorly conserved in available vertebrate species. In addition, this alteration is predicted to be tolerated by in silico analysis. Since supporting evidence is limited at this time, the clinical significance of this alteration remains unclear.